The following is an entry in ClinVar:

ClinVar aggregate classification (germline): Likely benign. Review status: criteria provided, multiple submitters, no conflicts (2 of 4 stars). 4 submissions from 4 submitters: Likely benign (4). Last evaluated 2026-01-19.

Conditions:
Cardiovascular phenotype. Identifiers: MedGen CN230736.
Atrial septal defect 5 (ASD5). Identifiers: Orphanet 1478, MedGen C2748552, MONDO:0013011, OMIM 612794.
Hypertrophic cardiomyopathy 11. Also called: ACTC1-Related Familial Hypertrophic Cardiomyopathy. Identifiers: MedGen C2677506, MONDO:0012799, OMIM 612098.
Dilated cardiomyopathy 1R (CMD1R). Identifiers: Orphanet 154, Orphanet 54260, MedGen C3150681, MONDO:0013261, OMIM 613424.
Cardiomyopathy (CMYO). Also called: Cardiomyopathies. Identifiers: Orphanet 167848, MedGen C0878544, MONDO:0004994, HP:0001638. Inheritance: Various modes of inheritance.
Hypertrophic cardiomyopathy. Also called: HYPERTROPHIC MYOCARDIOPATHY. Identifiers: Orphanet 217569, MedGen C0007194, MeSH D002312, MONDO:0005045, HP:0001639.

Allele frequency attached by ClinVar (database versions not stated): gnomAD 0.00001; gnomAD exomes 0.00001; TOPMed 0.00002.

Submissions (4):

Labcorp Genetics (formerly Invitae), Labcorp
Classification: Likely benign for Dilated cardiomyopathy 1R; Hypertrophic cardiomyopathy 11; Atrial septal defect 5. Last evaluated: 2026-01-19. Review status: criteria provided, single submitter. Criteria: Invitae Variant Classification Sherloc (09022015). Collection method: clinical testing. Allele origin: germline.

All of Us Research Program, National Institutes of Health
Classification: Likely benign for Hypertrophic cardiomyopathy. Last evaluated: 2023-05-16. Review status: criteria provided, single submitter. Criteria: ACMG Guidelines, 2015. Collection method: clinical testing. Allele origin: germline. Inheritance: Autosomal dominant inheritance. Observed: 1 variant allele, 1 heterozygote.
Comment: This study involves interpretation of variants in research participants for the purpose of population health screening. Participant phenotype was not available at the time of variant classification. Additional details can be found in publication PMID: 35346344, PMCID: PMC8962531

Ambry Genetics
Classification: Likely benign for Cardiovascular phenotype. Last evaluated: 2023-04-22. Review status: criteria provided, single submitter. Criteria: Ambry Variant Classification Scheme 2023. Collection method: clinical testing. Allele origin: germline.

Color Diagnostics, LLC DBA Color Health
Classification: Likely benign for Cardiomyopathy. Last evaluated: 2019-04-14. Review status: criteria provided, single submitter. Criteria: ACMG Guidelines, 2015. Collection method: clinical testing. Allele origin: germline.

NM_005159.5(ACTC1):c.1035C>T (p.Gly345=)

Genes: ACTC1 (actin alpha cardiac muscle 1; minus strand), GJD2-DT (GJD2 divergent transcript; plus strand). Cytogenetic location: 15q14.
Variant type: single nucleotide variant.
Coding change: c.1035C>T on transcript NM_005159.5 (MANE Select); coding-DNA position 1035, C replaced by T.
Protein change: p.Gly345=; no amino-acid change (glycine 345 retained).
Molecular consequence: synonymous variant.
Genome position (GRCh38, 1-based): chr15:34,790,511, G>A on the plus strand (C>T on the coding strand, the complement: ACTC1 is on the minus strand). VCF-style: chr15-34790511-G-A. GRCh37 (hg19) VCF-style: chr15-35082712-G-A.
Identifiers: ClinVar variation 923704 (VCV000923704.13), dbSNP rs1430980455, ClinGen allele CA489417950.
Genomic context (GRCh38, chr15:34,790,511, plus strand): 5'-ATCGTACTCTTGCTTGCTAATCCACATTTGCTGGAAGGTGGACAGAGAGGCCAGGATGGA[G>A]CCCCCAATCCAGACAGAGTATTTACGCTCAGGGGGAGCAATAATCTGCAGAAAGAAAACA-3'
Protein context (NP_005150.1, residues 335-355): PERKYSVWIG[Gly345=]SILASLSTFQ